The following is an entry in ClinVar:

ClinVar aggregate classification (germline): Uncertain significance (1 of 4 stars; one submission).

gnomAD v4.1: 3 of 1,614,242 alleles (0.00019%); highest among the groups gnomAD compares: African/African-American, 0.0027%; no homozygotes.

Submission:

Labcorp Genetics (formerly Invitae), Labcorp
Classification: Uncertain significance. Last evaluated: 2024-10-07. Review status: criteria provided, single submitter. Criteria: Invitae Variant Classification Sherloc (09022015). Collection method: clinical testing. Allele origin: germline.
Comment: This sequence change replaces methionine, which is neutral and non-polar, with threonine, which is neutral and polar, at codon 622 of the LRRK1 protein (p.Met622Thr). This variant is present in population databases (rs754452197, gnomAD 0.01%). This variant has not been reported in the literature in individuals affected with LRRK1-related conditions. An algorithm developed to predict the effect of missense changes on protein structure and function outputs the following: PolyPhen-2: "Benign". The threonine amino acid residue is found in multiple mammalian species, which suggests that this missense change does not adversely affect protein function. In summary, the available evidence is currently insufficient to determine the role of this variant in disease. Therefore, it has been classified as a Variant of Uncertain Significance.

NM_024652.6(LRRK1):c.1865T>C (p.Met622Thr)

Gene: LRRK1 (leucine rich repeat kinase 1; plus strand). Cytogenetic location: 15q26.3.
Variant type: single nucleotide variant.
Coding change: c.1865T>C on transcript NM_024652.6 (MANE Select); coding-DNA position 1865, T replaced by C.
Protein change: p.Met622Thr; replaces methionine 622 with threonine.
Molecular consequence: missense variant.
Genome position (GRCh38, 1-based): chr15:101,022,395, T>C. VCF-style: chr15-101022395-T-C. GRCh37 (hg19) VCF-style: chr15-101562600-T-C.
Other names: short protein forms M622T.
Identifiers: ClinVar variation 3686697 (VCV003686697.2).